The following is an entry in ClinVar:

NM_000548.5(TSC2):c.1449G>C (p.Glu483Asp)

Gene: TSC2 (TSC complex subunit 2; plus strand). Cytogenetic location: 16p13.3.
Variant type: single nucleotide variant.
Coding change: c.1449G>C on transcript NM_000548.5 (MANE Select); coding-DNA position 1449, G replaced by C.
Protein change: p.Glu483Asp; replaces glutamic acid 483 with aspartic acid.
Molecular consequence: missense variant.
Genome position (GRCh38, 1-based): chr16:2,064,277, G>C. VCF-style: chr16-2064277-G-C. GRCh37 (hg19) VCF-style: chr16-2114278-G-C.
Other names: c.1449G>C, p.Glu483Asp (NM_001114382.3, NM_001363528.2, NM_001370404.1 and 6 more transcripts); c.1338G>C, p.Glu446Asp (NM_001318827.2, NM_001406670.1, NM_001406678.1); c.1302G>C, p.Glu434Asp (NM_001318829.2, NM_001406675.1, NM_001406676.1 and 1 more transcripts); c.849G>C, p.Glu283Asp (NM_001318831.2, NM_001406687.1, NM_001406688.1 and 6 more transcripts); c.1482G>C, p.Glu494Asp (NM_001318832.2); c.1539G>C, p.Glu513Asp (NM_001406667.1, NM_001406668.1); c.1437G>C, p.Glu479Asp (NM_001406671.1, NM_001406673.1); c.105G>C, p.Glu35Asp (NM_001406689.1, NM_001406690.1, NM_001406691.1 and 6 more transcripts); and 3 more; short protein forms E329D, E446D, E464D, E479D, E513D, E283D, E35D, E494D.
Identifiers: ClinVar variation 1772871 (VCV001772871.5), dbSNP rs768511587, ClinGen allele CA276778686.

ClinVar aggregate classification (germline): Uncertain significance. Review status: criteria provided, multiple submitters, no conflicts (2 of 4 stars). 2 submissions from 2 submitters: Uncertain significance (2). Last evaluated 2023-05-02.

Conditions:
Hereditary cancer-predisposing syndrome. Also called: Tumor predisposition; Neoplastic Syndromes, Hereditary; Hereditary Cancer Syndrome; Hereditary neoplastic syndrome. Identifiers: Orphanet 140162, MedGen C0027672, MeSH D009386, MONDO:0015356.
Tuberous sclerosis 2 (TSC2). Identifiers: Orphanet 805, MedGen C1860707, MONDO:0013199, OMIM 613254.

Allele frequency attached by ClinVar (database versions not stated): TOPMed 0.00001.
gnomAD v4.1: 1 of 1,613,850 alleles (0.000062%); highest among the groups gnomAD compares: Non-Finnish European, 0.000085%; no homozygotes.

Submissions (2):

Labcorp Genetics (formerly Invitae), Labcorp
Classification: Uncertain significance for Tuberous sclerosis 2. Last evaluated: 2023-05-02. Review status: criteria provided, single submitter. Criteria: Invitae Variant Classification Sherloc (09022015). Collection method: clinical testing. Allele origin: germline.
Comment: In summary, the available evidence is currently insufficient to determine the role of this variant in disease. Therefore, it has been classified as a Variant of Uncertain Significance. Advanced modeling of protein sequence and biophysical properties (such as structural, functional, and spatial information, amino acid conservation, physicochemical variation, residue mobility, and thermodynamic stability) performed at Invitae indicates that this missense variant is not expected to disrupt TSC2 protein function. ClinVar contains an entry for this variant (Variation ID: 1772871). This variant has not been reported in the literature in individuals affected with TSC2-related conditions. This variant is not present in population databases (gnomAD no frequency). This sequence change replaces glutamic acid, which is acidic and polar, with aspartic acid, which is acidic and polar, at codon 483 of the TSC2 protein (p.Glu483Asp).

Ambry Genetics
Classification: Uncertain significance for Hereditary cancer-predisposing syndrome. Last evaluated: 2022-08-06. Review status: criteria provided, single submitter. Criteria: Ambry Variant Classification Scheme 2023. Collection method: clinical testing. Allele origin: germline.
Comment: The p.E483D variant (also known as c.1449G>C), located in coding exon 14 of the TSC2 gene, results from a G to C substitution at nucleotide position 1449. The glutamic acid at codon 483 is replaced by aspartic acid, an amino acid with highly similar properties. This amino acid position is conserved. In addition, this alteration is predicted to be deleterious by in silico analysis. Since supporting evidence is limited at this time, the clinical significance of this alteration remains unclear.